The following is an entry in ClinVar:

NM_003680.4(YARS1):c.1575del (p.Asn526fs)

Gene: YARS1 (tyrosyl-tRNA synthetase 1; minus strand). Cytogenetic location: 1p35.1.
Variant type: Deletion.
Coding change: c.1575del on transcript NM_003680.4 (MANE Select); coding-DNA position 1575, one base deleted (G; older notation c.1575delG).
Protein change: p.Asn526fs; shifts the reading frame from asparagine 526.
Molecular consequence: frameshift variant.
Genome position (GRCh38, 1-based): chr1:32,775,993, C deleted on the plus strand (G on the coding strand, the reverse complement: YARS1 is on the minus strand); the first of 6 consecutive C bases (chr1:32,775,993-32,775,998); deleting any one gives the same sequence. VCF-style (leftmost placement, unchanged base first): chr1-32775992-TC-T. GRCh37 (hg19) VCF-style: chr1-33241593-TC-T.
Other names: short protein forms N526fs.
Identifiers: ClinVar variation 3668620 (VCV003668620.2).

ClinVar aggregate classification (germline): Uncertain significance (1 of 4 stars; one submission).

Conditions:
Charcot-Marie-Tooth disease dominant intermediate C (CMTDIC). Also called: CHARCOT-MARIE-TOOTH NEUROPATHY, DOMINANT INTERMEDIATE C. Identifiers: Orphanet 100045, MedGen C1842237, MONDO:0012012, OMIM 608323.

Submission:

Labcorp Genetics (formerly Invitae), Labcorp
Classification: Uncertain significance for Charcot-Marie-Tooth disease dominant intermediate C. Last evaluated: 2024-07-24. Review status: criteria provided, single submitter. Criteria: Invitae Variant Classification Sherloc (09022015). Collection method: clinical testing. Allele origin: germline.
Comment: This sequence change results in a frameshift in the YARS gene (p.Asn526Thrfs*129). While this is not anticipated to result in nonsense mediated decay, it is expected to disrupt the last 3 amino acid(s) of the YARS protein and extend the protein by 125 additional amino acid residues. The frequency data for this variant in the population databases is considered unreliable, as metrics indicate poor data quality at this position in the gnomAD database. This frameshift has been observed in individual(s) with clinical features of YARS-related conditions (Invitae). In summary, the available evidence is currently insufficient to determine the role of this variant in disease. Therefore, it has been classified as a Variant of Uncertain Significance.